The following is an entry in ClinVar:

ClinVar aggregate classification (germline): Uncertain significance (1 of 4 stars; one submission).

gnomAD v4.1: 4 of 1,612,370 alleles (0.00025%); highest among the groups gnomAD compares: Admixed American, 0.0067%; no homozygotes.

Submission:

Labcorp Genetics (formerly Invitae), Labcorp
Classification: Uncertain significance. Last evaluated: 2024-08-29. Review status: criteria provided, single submitter. Criteria: Invitae Variant Classification Sherloc (09022015). Collection method: clinical testing. Allele origin: germline.
Comment: This sequence change replaces threonine, which is neutral and polar, with serine, which is neutral and polar, at codon 13 of the STAG1 protein (p.Thr13Ser). This variant is present in population databases (rs751066805, gnomAD 0.009%). This variant has not been reported in the literature in individuals affected with STAG1-related conditions. Invitae Evidence Modeling of protein sequence and biophysical properties (such as structural, functional, and spatial information, amino acid conservation, physicochemical variation, residue mobility, and thermodynamic stability) indicates that this missense variant is not expected to disrupt STAG1 protein function with a negative predictive value of 95%. In summary, the available evidence is currently insufficient to determine the role of this variant in disease. Therefore, it has been classified as a Variant of Uncertain Significance.

NM_005862.3(STAG1):c.38C>G (p.Thr13Ser)

Gene: STAG1 (STAG1 cohesin complex component; minus strand). Cytogenetic location: 3q22.3.
Variant type: single nucleotide variant.
Coding change: c.38C>G on transcript NM_005862.3 (MANE Select); coding-DNA position 38, C replaced by G.
Protein change: p.Thr13Ser; replaces threonine 13 with serine.
Molecular consequence: missense variant.
Genome position (GRCh38, 1-based): chr3:136,623,240, G>C on the plus strand (C>G on the coding strand, the complement: STAG1 is on the minus strand). VCF-style: chr3-136623240-G-C. GRCh37 (hg19) VCF-style: chr3-136342082-G-C.
Other names: short protein forms T13S.
Identifiers: ClinVar variation 3617543 (VCV003617543.2).